The following is an entry in ClinVar:

ClinVar aggregate classification (germline): Conflicting classifications of pathogenicity. Review status: criteria provided, conflicting classifications (1 of 4 stars). 2 submissions from 2 submitters: Likely pathogenic (1); Uncertain significance (1). Last evaluated 2023-09-08.

Submissions (2):

GeneDx
Classification: Likely pathogenic. Last evaluated: 2023-09-08. Review status: criteria provided, single submitter. Criteria: GeneDx Variant Classification Process June 2021. Collection method: clinical testing. Allele origin: germline. Affected: yes.
Comment: Not observed at significant frequency in large population cohorts (gnomAD); In silico analysis supports that this missense variant has a deleterious effect on protein structure/function; Has not been previously published as pathogenic or benign to our knowledge; This variant is associated with the following publications: (PMID: 20681998, 33767344, 11741831)

Eurofins Ntd Llc (ga)
Classification: Uncertain significance. Last evaluated: 2018-09-06. Review status: criteria provided, single submitter. Criteria: EGL ClinVar v180209 classification definitions. Collection method: clinical testing. Allele origin: germline. Observed: 1 variant allele, 1 heterozygote.

NM_000540.3(RYR1):c.14672G>A (p.Gly4891Asp)

Gene: RYR1 (ryanodine receptor 1; plus strand). Cytogenetic location: 19q13.2.
Variant type: single nucleotide variant.
Coding change: c.14672G>A on transcript NM_000540.3 (MANE Select); coding-DNA position 14672, G replaced by A.
Protein change: p.Gly4891Asp; replaces glycine 4891 with aspartic acid.
Molecular consequence: missense variant.
Genome position (GRCh38, 1-based): chr19:38,584,968, G>A. VCF-style: chr19-38584968-G-A. GRCh37 (hg19) VCF-style: chr19-39075608-G-A.
Other names: c.14657G>A, p.Gly4886Asp (NM_001042723.2); short protein forms G4886D.
Identifiers: ClinVar variation 93256 (VCV000093256.9), dbSNP rs398123470, ClinGen allele CA024218.